The following is an entry in ClinVar:

NM_007294.4(BRCA1):c.2387C>T (p.Thr796Ile)

Gene: BRCA1 (BRCA1 DNA repair associated; minus strand). Cytogenetic location: 17q21.31.
Variant type: single nucleotide variant.
Coding change: c.2387C>T on transcript NM_007294.4 (MANE Select); coding-DNA position 2387, C replaced by T.
Protein change: p.Thr796Ile; replaces threonine 796 with isoleucine.
Molecular consequence: missense variant. On other transcripts: intron variant (137).
Genome position (GRCh38, 1-based): chr17:43,093,144, G>A on the plus strand (C>T on the coding strand, the complement: BRCA1 is on the minus strand). VCF-style: chr17-43093144-G-A. GRCh37 (hg19) VCF-style: chr17-41245161-G-A.
Other names: p.T796I:ACA>ATA; c.671-2112C>T (NM_001408423.1, NM_001408420.1, NM_001408419.1 and 2 more transcripts); c.787+1600C>T (NM_001408404.1, NM_001408472.1, NM_001407990.1 and 17 more transcripts); c.788-1005C>T (NM_001407969.1, NM_001407968.1); c.577+1600C>T (NM_001408492.1, NM_001408513.1, NM_001408489.1 and 9 more transcripts); c.643+1600C>T (NM_001408468.1, NM_001408465.1, NM_001408463.1 and 3 more transcripts); c.523+1600C>T (NM_001408501.1, NM_001408500.1, NM_001408497.1 and 3 more transcripts); c.646+1600C>T (NM_001408455.1, NM_001408466.1, NM_001408452.1 and 11 more transcripts); and 42 more; short protein forms T796I, T749I, T668I, T707I, T754I, T770I, T628I, T684I.
Identifiers: ClinVar variation 54551 (VCV000054551.33), dbSNP rs80357364, ClinGen allele CA001583.

ClinVar aggregate classification (germline): Conflicting classifications of pathogenicity. Review status: criteria provided, conflicting classifications (1 of 4 stars). 10 submissions from 10 submitters: Uncertain significance (4); Likely benign (5). 1 of the submissions does not count toward it. Last evaluated 2026-02-01.

Conditions:
BRCA1-related cancer predisposition. Identifiers: MedGen CN377757, MONDO:0700268.
Breast neoplasm. Also called: Neoplasm of breast; Breast tumor; Neoplasm of the breast; Breast Neoplasms. Identifiers: MedGen C1458155, MeSH D001943, MONDO:0021100, HP:0100013. Disease mechanism: gain of function.
Hereditary cancer-predisposing syndrome. Also called: Tumor predisposition; Neoplastic Syndromes, Hereditary; Hereditary Cancer Syndrome; Hereditary neoplastic syndrome. Identifiers: Orphanet 140162, MedGen C0027672, MeSH D009386, MONDO:0015356.
Hereditary breast ovarian cancer syndrome. Also called: Hereditary breast and ovarian cancer syndrome (HBOC); Hereditary breast and ovarian cancer syndrome; Hereditary breast and ovarian cancer; Hereditary breast and/or ovarian cancer syndrome; Breast and ovarian cancer; BRCA1- and BRCA2-Associated Hereditary Breast and Ovarian Cancer. Identifiers: Orphanet 145, MedGen C0677776, MeSH D061325, MONDO:0003582. Disease mechanism: loss of function.
Breast-ovarian cancer, familial, susceptibility to, 1 (BROVCA1). Also called: OVARIAN CANCER, SUSCEPTIBILITY TO; BRCA1 Hereditary Breast and Ovarian Cancer. Identifiers: Orphanet 145, MedGen C2676676, MONDO:0011450, OMIM 604370. Disease mechanism: loss of function.

Allele frequency attached by ClinVar (database versions not stated): TOPMed 0.00001; ExAC 0.00003; gnomAD exomes 0.00005.
gnomAD v4.1: 16 of 1,613,508 alleles (0.00099%); highest among the groups gnomAD compares: East Asian, 0.036%; no homozygotes.

Submissions (10):

Labcorp Genetics (formerly Invitae), Labcorp
Classification: Likely benign for Hereditary breast ovarian cancer syndrome. Last evaluated: 2026-02-01. Review status: criteria provided, single submitter. Criteria: Invitae Variant Classification Sherloc (09022015). Collection method: clinical testing. Allele origin: germline.

Women's Health and Genetics/Laboratory Corporation of America, LabCorp
Classification: Uncertain significance. Last evaluated: 2026-01-23. Review status: criteria provided, single submitter. Criteria: LabCorp Variant Classification Summary - May 2015. Collection method: clinical testing. Allele origin: germline.
Comment: Variant summary: BRCA1 c.2387C>T (p.Thr796Ile) results in a non-conservative amino acid change in the encoded protein sequence. The variant allele was found at a frequency of 4.8e-05 in 250512 control chromosomes. This frequency is not significantly higher than estimated for disease-causing variants in BRCA1, allowing no conclusion about variant significance. c.2387C>T has been observed in individuals affected with Breast or Ovarian Cancer (Chao_2016, Zhong_2016, Li_2017, Chan_2018, Wang_2019, Kwong_2020, Dorling_2021), but it has also been reported in unaffected controls (Dong_2021, Dorling_2021). These report(s) do not provide unequivocal conclusions about association of the variant with Hereditary Breast And Ovarian Cancer Syndrome. Co-occurrences with other pathogenic variant(s) have been reported (APC c.(1743+1_1744-1)_(*2114_?)del, exon 15-16 deletion), providing supporting evidence for a benign role. To our knowledge, no experimental evidence demonstrating an impact on protein function has been reported. The following publications have been ascertained in the context of this evaluation (PMID: 16518693, 15385441, 27257965, 28664449, 30093976, 30982232, 31825140, 27907908, 32068069, 33471991, 32467295, 40089605). ClinVar contains an entry for this variant (Variation ID: 54551). Based on the evidence outlined above, the variant was classified as uncertain significance.

Color Diagnostics, LLC DBA Color Health
Classification: Likely benign for Hereditary cancer-predisposing syndrome. Last evaluated: 2025-06-10. Review status: criteria provided, single submitter. Criteria: ACMG Guidelines, 2015. Collection method: clinical testing. Allele origin: germline.

All of Us Research Program, National Institutes of Health
Classification: Uncertain significance for BRCA1-related cancer predisposition. Last evaluated: 2024-07-23. Review status: criteria provided, single submitter. Criteria: ACMG Guidelines, 2015. Collection method: clinical testing. Allele origin: germline. Inheritance: Autosomal dominant inheritance. Observed: 2 variant alleles, 2 heterozygotes.
Comment: This missense variant replaces threonine with isoleucine at codon 796 of the BRCA1 protein. Computational prediction is inconclusive regarding the impact of this variant on protein structure and function (internally defined REVEL score threshold 0.5 < inconclusive < 0.7, PMID: 27666373). Splice site prediction tools suggest that this variant may not impact RNA splicing. To our knowledge, functional studies have not been performed for this variant. This variant has been reported in individuals affected with breast cancer (PMID: 27257965, 28664449, 30093976, 30982232) and ovarian cancer (PMID: 27907908, 32068069). However, this variant has also been detected in a breast cancer case-control meta-analysis in 7/60463 cases and 6/53461 unaffected individuals with a calculated OR=1.032 (95%CI 0.347 to 3.07) and Fisher's Exact test p-value=1 (PMID: 33471991; Leiden Open Variation Database DB-ID BRCA1_000198). This variant has been identified in 12/250512 chromosomes (12/18394 East Asian chromosomes) in the general population by the Genome Aggregation Database (gnomAD). Although there is a suspicion that this variant may not be associated with disease, additional studies are necessary to determine the role of this variant in disease conclusively. Therefore, this variant is classified as a Variant of Uncertain Significance

This study involves interpretation of variants in research participants for the purpose of population health screening. Participant phenotype was not available at the time of variant classification. Additional details can be found in publication PMID: 35346344, PMCID: PMC8962531

Ambry Genetics
Classification: Likely benign for Hereditary cancer-predisposing syndrome. Last evaluated: 2024-05-02. Review status: criteria provided, single submitter. Criteria: Ambry Variant Classification Scheme 2023. Collection method: clinical testing. Allele origin: germline.

Quest Diagnostics Nichols Institute San Juan Capistrano
Classification: Likely benign. Last evaluated: 2023-08-31. Review status: criteria provided, single submitter. Criteria: Quest Diagnostics criteria. Collection method: clinical testing. Allele origin: unknown.

University of Washington Department of Laboratory Medicine, University of Washington
Classification: Likely benign for Hereditary cancer-predisposing syndrome. Last evaluated: 2023-03-23. Review status: criteria provided, single submitter. Criteria: Dines et al. (Genet Med. 2020). Collection method: curation. Allele origin: germline.
Comment: Missense variant in a coldspot region where missense variants are very unlikely to be pathogenic (PMID:31911673).

BRCA1 coldspot (exon 11 using historical exon numbering). Reclassification based on statistical prior probability

Laboratory of Molecular Diagnosis of Cancer, West China Hospital, Sichuan University
Classification: Uncertain significance for Breast neoplasm. Last evaluated: 2015-11-01. Review status: criteria provided, single submitter. Criteria: ACMG Guidelines, 2015. Collection method: research. Allele origin: germline. Affected: yes. Observed: 1 variant allele.

GeneDx
Classification: Uncertain significance. Last evaluated: 2014-08-15. Review status: criteria provided, single submitter. Criteria: GeneDx Variant Classification (06012015). Collection method: clinical testing. Allele origin: germline. Affected: yes.
Comment: This variant is denoted BRCA1 c.2387C>T at the cDNA level, p.Thr796Ile (T796I) at the protein level, and results in the change of a Threonine to an Isoleucine (ACA>ATA). This variant, also known as 2506C>T using alternate nomenclature, has not, to our knowledge, been published in the literature as pathogenic or benign. BRCA1 Thr796Ile was not observed in approximately 6,500 individuals of European and African American ancestry in the NHLBI Exome Sequencing Project, indicating it is not a common benign variant in these populations. Since Threonine and Isoleucine differ in polarity, charge, size or other properties, this is considered a non-conservative amino acid substitution. BRCA1 Thr796Ile occurs at a position that is moderately conserved across species and is not located in a known functional domain. In silico analyses are inconsistent regarding the effect this variant may have on protein structure and function. Based on currently available information, it is unclear whether BRCA1 Thr796Ile is pathogenic or benign. We consider it to be a variant of uncertain significance.

Breast Cancer Information Core (BIC) (BRCA1)
Classification: Uncertain significance for Breast-ovarian cancer, familial 1. Last evaluated: 2002-05-29. Review status: no assertion criteria provided. Collection method: clinical testing. Allele origin: germline. Affected: yes. Observed: 1 variant allele. Not counted in ClinVar's aggregate classification.

Literature cited by the submitters: PubMed 16518693 (cited by Women's Health and Genetics/Laboratory Corporation of America, LabCorp and Quest Diagnostics Nichols Institute San Juan Capistrano); PubMed 15385441 (cited by Women's Health and Genetics/Laboratory Corporation of America, LabCorp); PubMed 27257965 (cited by 5 submitters); PubMed 28664449 (cited by 4 submitters); PubMed 30093976 (cited by 3 submitters); PubMed 30982232 (cited by 3 submitters); PubMed 31825140 (cited by Women's Health and Genetics/Laboratory Corporation of America, LabCorp and Quest Diagnostics Nichols Institute San Juan Capistrano); PubMed 27907908 (cited by 4 submitters); PubMed 32068069 (cited by 3 submitters); PubMed 33471991 (cited by 3 submitters); PubMed 32467295 (cited by Women's Health and Genetics/Laboratory Corporation of America, LabCorp and Quest Diagnostics Nichols Institute San Juan Capistrano); PubMed 40089605 (cited by Women's Health and Genetics/Laboratory Corporation of America, LabCorp); PubMed 30702160 (cited by Ambry Genetics and Quest Diagnostics Nichols Institute San Juan Capistrano).